The following is an entry in ClinVar:

NM_001267550.2(TTN):c.74794C>G (p.Pro24932Ala)

Genes: TTN (titin; minus strand), TTN-AS1 (TTN antisense RNA 1; plus strand). Cytogenetic location: 2q31.2.
Variant type: single nucleotide variant.
Coding change: c.74794C>G on transcript NM_001267550.2 (MANE Select); coding-DNA position 74794, C replaced by G.
Protein change: p.Pro24932Ala; replaces proline 24932 with alanine.
Molecular consequence: missense variant. On other transcripts: non-coding transcript variant (1).
Genome position (GRCh38, 1-based): chr2:178,571,338, G>C on the plus strand (C>G on the coding strand, the complement: TTN is on the minus strand). VCF-style: chr2-178571338-G-C. GRCh37 (hg19) VCF-style: chr2-179436065-G-C.
Other names: c.69871C>G, p.Pro23291Ala (NM_001256850.1); c.47599C>G, p.Pro15867Ala (NM_003319.4); c.67090C>G, p.Pro22364Ala (NM_133378.4); c.47974C>G, p.Pro15992Ala (NM_133432.3); c.48175C>G, p.Pro16059Ala (NM_133437.4); short protein forms P15867A, P15992A, P16059A, P22364A, P23291A, P24932A.
Identifiers: ClinVar variation 2437692 (VCV002437692.4), dbSNP rs878982463, ClinGen allele CA60996839.

ClinVar aggregate classification (germline): Uncertain significance. Review status: criteria provided, multiple submitters, no conflicts (2 of 4 stars). 2 submissions from 2 submitters: Uncertain significance (2). Last evaluated 2024-02-09.

Allele frequency attached by ClinVar (database versions not stated): TOPMed below 0.00001.
gnomAD v4.1: 26 of 1,613,314 alleles (0.0016%); highest among the groups gnomAD compares: Non-Finnish European, 0.0022%; no homozygotes.

Submissions (2):

GeneDx
Classification: Uncertain significance. Last evaluated: 2024-02-09. Review status: criteria provided, single submitter. Criteria: GeneDx Variant Classification Process June 2021. Collection method: clinical testing. Allele origin: germline. Affected: yes.
Comment: Not observed at significant frequency in large population cohorts (gnomAD); Missense variant in a gene in which most reported pathogenic variants are truncating/loss of function; Has not been previously published as pathogenic or benign to our knowledge

Revvity Omics, Revvity
Classification: Uncertain significance. Last evaluated: 2020-02-18. Review status: criteria provided, single submitter. Criteria: ACMG Guidelines, 2015. Collection method: clinical testing. Allele origin: germline.